The following is an entry in ClinVar:

ClinVar aggregate classification (germline): Pathogenic. Review status: criteria provided, multiple submitters, no conflicts (2 of 4 stars). 3 submissions from 3 submitters: Pathogenic (3). Last evaluated 2024-05-03.

Conditions:
Pyridoxine-dependent epilepsy (EPEO4). Also called: Pyridoxine-Dependent Seizures; Pyridoxine-Dependent Epilepsy - ALDH7A1; PYRIDOXINE DEPENDENCY WITH SEIZURES; EPILEPSY, EARLY-ONSET, 4, VITAMIN B6-DEPENDENT. Identifiers: Orphanet 3006, MedGen C1849508, MONDO:0009945, OMIM 266100. Disease mechanism: loss of function.

Allele frequency attached by ClinVar (database versions not stated): gnomAD 0.00001; gnomAD exomes below 0.00001; TOPMed below 0.00001.
gnomAD v4.1: 3 of 1,614,066 alleles (0.00019%); highest among the groups gnomAD compares: Non-Finnish European, 0.00025%; no homozygotes.

Submissions (3):

Fulgent Genetics
Classification: Pathogenic for Pyridoxine-dependent epilepsy. Last evaluated: 2024-05-03. Review status: criteria provided, single submitter. Criteria: ACMG Guidelines, 2015. Collection method: clinical testing. Allele origin: germline.

Women's Health and Genetics/Laboratory Corporation of America, LabCorp
Classification: Pathogenic for Pyridoxine-dependent epilepsy. Last evaluated: 2024-04-26. Review status: criteria provided, single submitter. Criteria: LabCorp Variant Classification Summary - May 2015. Collection method: clinical testing. Allele origin: germline.
Comment: Variant summary: ALDH7A1 c.1432T>A (p.Cys478Ser) results in a non-conservative amino acid change in the encoded protein sequence. Five of five in-silico tools predict a damaging effect of the variant on protein function. The variant was absent in 251368 control chromosomes (gnomAD). c.1432T>A has been reported in the literature in at least two compound heterozygous individuals who were affected with Pyridoxine-Dependent Epilepsy and carried a pathogenic variant in trans (e.g. Salomons_2007, Bok_2012, deRooy_2018, Coughlin_2019, Tseng_2022). In addition, the publications also reported experimental evidence evaluating an impact on protein function and demonstrated that the variant had about 14-20% activity when compared to the WT (e.g. Coulter-Mackie_2014, Coughlin_2019). The following publications have been ascertained in the context of this evaluation (PMID: 24613284, 17721876, 29661537, 30043187, 35782612, 22804844). ClinVar contains an entry for this variant (Variation ID: 2136321). Based on the evidence outlined above, the variant was classified as pathogenic.

Labcorp Genetics (formerly Invitae), Labcorp
Classification: Pathogenic for Pyridoxine-dependent epilepsy. Last evaluated: 2024-02-04. Review status: criteria provided, single submitter. Criteria: Invitae Variant Classification Sherloc (09022015). Collection method: clinical testing. Allele origin: germline.
Comment: This sequence change replaces cysteine, which is neutral and slightly polar, with serine, which is neutral and polar, at codon 478 of the ALDH7A1 protein (p.Cys478Ser). This variant is not present in population databases (gnomAD no frequency). This missense change has been observed in individual(s) with ALDH7A1-related conditions (PMID: 17721876). In at least one individual the data is consistent with being in trans (on the opposite chromosome) from a pathogenic variant. This variant is also known as c.1348T>A (p.Cys450Ser). ClinVar contains an entry for this variant (Variation ID: 2136321). Advanced modeling of protein sequence and biophysical properties (such as structural, functional, and spatial information, amino acid conservation, physicochemical variation, residue mobility, and thermodynamic stability) performed at Invitae indicates that this missense variant is expected to disrupt ALDH7A1 protein function with a positive predictive value of 95%. Experimental studies have shown that this missense change affects ALDH7A1 function (PMID: 24613284, 30043187). For these reasons, this variant has been classified as Pathogenic.

Literature cited by the submitters: PubMed 30043187 (cited by Women's Health and Genetics/Laboratory Corporation of America, LabCorp and Labcorp Genetics (formerly Invitae), Labcorp); PubMed 17721876 (cited by Women's Health and Genetics/Laboratory Corporation of America, LabCorp and Labcorp Genetics (formerly Invitae), Labcorp); PubMed 22804844 (cited by Women's Health and Genetics/Laboratory Corporation of America, LabCorp); PubMed 24613284 (cited by Women's Health and Genetics/Laboratory Corporation of America, LabCorp and Labcorp Genetics (formerly Invitae), Labcorp); PubMed 35782612 (cited by Women's Health and Genetics/Laboratory Corporation of America, LabCorp); PubMed 29661537 (cited by Women's Health and Genetics/Laboratory Corporation of America, LabCorp).

NM_001182.5(ALDH7A1):c.1432T>A (p.Cys478Ser)

Gene: ALDH7A1 (aldehyde dehydrogenase 7 family member A1; minus strand). Cytogenetic location: 5q23.2.
Variant type: single nucleotide variant.
Coding change: c.1432T>A on transcript NM_001182.5 (MANE Select); coding-DNA position 1432, T replaced by A.
Protein change: p.Cys478Ser; replaces cysteine 478 with serine.
Molecular consequence: missense variant.
Genome position (GRCh38, 1-based): chr5:126,549,986, A>T on the plus strand (T>A on the coding strand, the complement: ALDH7A1 is on the minus strand). VCF-style: chr5-126549986-A-T. GRCh37 (hg19) VCF-style: chr5-125885678-A-T.
Other names: c.1348T>A, p.Cys450Ser (NM_001201377.2); c.1240T>A, p.Cys414Ser (NM_001202404.2); short protein forms C478S, C414S, C450S.
Identifiers: ClinVar variation 2136321 (VCV002136321.6), dbSNP rs1201473032, ClinGen allele CA360721136.